The following is an entry in ClinVar:

NM_001142966.3(GREB1L):c.570dup (p.Phe191fs)

Genes: GREB1L (GREB1 like retinoic acid receptor coactivator; plus strand), GREB1L-AS1 (GREB1L antisense RNA 1; minus strand). Cytogenetic location: 18q11.1.
Variant type: Duplication.
Coding change: c.570dup on transcript NM_001142966.3 (MANE Select); coding-DNA position 570, one base duplicated (A; older notation c.570dupA).
Protein change: p.Phe191fs; shifts the reading frame from phenylalanine 191.
Molecular consequence: frameshift variant.
Genome position (GRCh38, 1-based): chr18:21,401,187, A duplicated. VCF-style (leftmost placement, unchanged base first): chr18-21401186-G-GA. GRCh37 (hg19) VCF-style: chr18-18981147-G-GA.
Other names: c.570dup, p.Phe191fs (NM_001410867.1, NM_001410868.1); short protein forms F191fs.
Identifiers: ClinVar variation 2581335 (VCV002581335.1), dbSNP rs2510948012, ClinGen allele CA2582342331.

ClinVar aggregate classification (germline): Pathogenic (1 of 4 stars; one submission).

Conditions:
Renal hypodysplasia/aplasia 3 (RHDA3). Identifiers: MedGen C4540497, MONDO:0024520, OMIM 617805.

Submission:

Women's Health and Genetics/Laboratory Corporation of America, LabCorp
Classification: Pathogenic for Renal hypodysplasia/aplasia 3. Last evaluated: 2023-08-24. Review status: criteria provided, single submitter. Criteria: LabCorp Variant Classification Summary - May 2015. Collection method: clinical testing. Allele origin: germline.
Comment: Variant summary: GREB1L c.570dupA (p.Phe191IlefsX12) results in a premature termination codon, predicted to cause absence of the protein due to nonsense mediated decay, which are commonly known mechanisms for disease (PMID: 29100091). The variant was absent in 156470 control chromosomes. To our knowledge, no occurrence of c.570dupA in individuals affected with Renal Hypodysplasia/aplasia 3 and no experimental evidence demonstrating its impact on protein function have been reported. No submitters have cited clinical-significance assessments for this variant to ClinVar after 2014. Based on the evidence outlined above, the variant was classified as pathogenic.